The following is an entry in ClinVar:

ClinVar aggregate classification (germline): Likely benign (1 of 4 stars; one submission).

gnomAD v4.1: 12 of 1,602,492 alleles (0.00075%); highest among the groups gnomAD compares: East Asian, 0.0022%; no homozygotes.

Submission:

CeGaT Center for Human Genetics Tuebingen
Classification: Likely benign. Last evaluated: 2026-06-01. Review status: criteria provided, single submitter. Criteria: CeGaT Center For Human Genetics Tuebingen Variant Classification Criteria Version 2. Collection method: clinical testing. Allele origin: germline. Affected: yes. Observed: 1 variant allele.
Comment: HS1BP3: BP4, BP7

NM_022460.4(HS1BP3):c.768C>T (p.Asp256=)

Gene: HS1BP3 (HCLS1 binding protein 3; minus strand). Cytogenetic location: 2p24.1.
Variant type: single nucleotide variant.
Coding change: c.768C>T on transcript NM_022460.4 (MANE Select); coding-DNA position 768, C replaced by T.
Protein change: p.Asp256=; no amino-acid change (aspartic acid 256 retained).
Molecular consequence: synonymous variant.
Genome position (GRCh38, 1-based): chr2:20,624,748, G>A on the plus strand (C>T on the coding strand, the complement: HS1BP3 is on the minus strand). VCF-style: chr2-20624748-G-A. GRCh37 (hg19) VCF-style: chr2-20824508-G-A.
Identifiers: ClinVar variation 4872612 (VCV004872612.2).
Genomic context (GRCh38, chr2:20,624,748, plus strand): 5'-GGCACCGAGAGGACACCAGGAGCAGACCATGGGGCTCTACTTACGGTCCACGGATGACAC[G>A]TCCTCCGAGGGGTCCTGTGGAGACAGCTTCCTGCCCGGGCCAAAGAGCCCCTCATCAGGG-3'
Protein context (NP_071905.3, residues 246-266): RKLSPQDPSE[Asp256=]VSSVDPLKLF